The following is an entry in ClinVar:

NM_001723.7(DST):c.7754T>C (p.Ile2585Thr)

Gene: DST (dystonin; minus strand). Cytogenetic location: 6p12.1.
Variant type: single nucleotide variant.
Coding change: c.7754T>C on transcript NM_001723.7 (MANE Plus Clinical); coding-DNA position 7754, T replaced by C.
Protein change: p.Ile2585Thr; replaces isoleucine 2585 with threonine.
Molecular consequence: missense variant. On other transcripts: intron variant (10).
Genome position (GRCh38, 1-based): chr6:56,615,713, A>G on the plus strand (T>C on the coding strand, the complement: DST is on the minus strand). VCF-style: chr6-56615713-A-G. GRCh37 (hg19) VCF-style: chr6-56480511-A-G.
Other names: c.4831-1229T>C (NM_001144769.5); c.4930-1229T>C (NM_001374722.1, NM_001374736.1); c.4957-1229T>C (NM_001374734.1); c.4417-1229T>C (NM_001144770.2); c.4297-1229T>C (NM_001374730.1, NM_001386100.1, NM_183380.4 and 1 more transcripts); c.3319-1229T>C (NM_015548.5); short protein forms I2585T.
Identifiers: ClinVar variation 1051785 (VCV001051785.8), dbSNP rs377386742, ClinGen allele CA3869904.

ClinVar aggregate classification (germline): Uncertain significance (1 of 4 stars; one submission).

Conditions:
Hereditary sensory and autonomic neuropathy type 6. Also called: Neuropathy, hereditary sensory and autonomic, type VI; HSAN VI. Identifiers: Orphanet 314381, MedGen C3539003, MONDO:0013839, OMIM 614653.
Epidermolysis bullosa simplex 3, localized or generalized intermediate, with BP230 deficiency (EBS3). Also called: Epidermolysis bullosa simplex due to BP230 deficiency; Epidermolysis bullosa simplex, autosomal recessive 2. Identifiers: Orphanet 412181, MedGen C3809470, MONDO:0014180, OMIM 615425.

Allele frequency attached by ClinVar (database versions not stated): gnomAD exomes below 0.00001; ExAC 0.00001; TOPMed 0.00002; gnomAD 0.00003; ESP Exome Variant Server 0.00008.
gnomAD v4.1: 6 of 1,614,074 alleles (0.00037%); highest among the groups gnomAD compares: African/African-American, 0.008%; no homozygotes.

Submission:

Labcorp Genetics (formerly Invitae), Labcorp
Classification: Uncertain significance for Epidermolysis bullosa simplex 3, localized or generalized intermediate, with BP230 deficiency; Hereditary sensory and autonomic neuropathy type 6. Last evaluated: 2021-08-28. Review status: criteria provided, single submitter. Criteria: Invitae Variant Classification Sherloc (09022015). Collection method: clinical testing. Allele origin: germline.
Comment: This sequence change replaces isoleucine with threonine at codon 2585 of the DST protein (p.Ile2585Thr). The isoleucine residue is highly conserved and there is a moderate physicochemical difference between isoleucine and threonine. This variant is present in population databases (rs377386742, ExAC 0.01%). This variant has not been reported in the literature in individuals affected with DST-related conditions. Algorithms developed to predict the effect of missense changes on protein structure and function (SIFT, PolyPhen-2, Align-GVGD) all suggest that this variant is likely to be disruptive. In summary, the available evidence is currently insufficient to determine the role of this variant in disease. Therefore, it has been classified as a Variant of Uncertain Significance.